The following is an entry in ClinVar:

NM_001352754.2(ARMC9):c.1369C>T (p.Leu457Phe)

Gene: ARMC9 (armadillo repeat containing 9; plus strand). Cytogenetic location: 2q37.1.
Variant type: single nucleotide variant.
Coding change: c.1369C>T on transcript NM_001352754.2 (MANE Select); coding-DNA position 1369, C replaced by T.
Protein change: p.Leu457Phe; replaces leucine 457 with phenylalanine.
Molecular consequence: missense variant. On other transcripts: non-coding transcript variant (1).
Genome position (GRCh38, 1-based): chr2:231,276,670, C>T. VCF-style: chr2-231276670-C-T. GRCh37 (hg19) VCF-style: chr2-232141383-C-T.
Other names: c.1369C>T, p.Leu457Phe (NM_001271466.4, NM_001291656.2, NM_001352755.2 and 3 more transcripts); c.1270C>T, p.Leu424Phe (NM_001352757.2, NM_001352758.2); c.1369C>T (NM_025139.3); short protein forms L424F, L457F.
Identifiers: ClinVar variation 1507724 (VCV001507724.7), dbSNP rs773678881, ClinGen allele CA2160316.

ClinVar aggregate classification (germline): Uncertain significance. Review status: criteria provided, multiple submitters, no conflicts (2 of 4 stars). 2 submissions from 2 submitters: Uncertain significance (2). Last evaluated 2025-01-15.

Conditions:
Inborn genetic diseases. Identifiers: MedGen C0950123, MeSH D030342.

Allele frequency attached by ClinVar (database versions not stated): gnomAD 0.00001; gnomAD exomes 0.00001 and 0.00003; ExAC 0.00002; TOPMed 0.00004.
gnomAD v4.1: 20 of 1,614,080 alleles (0.0012%); highest among the groups gnomAD compares: East Asian, 0.04%; no homozygotes.

Submissions (2):

Labcorp Genetics (formerly Invitae), Labcorp
Classification: Uncertain significance. Last evaluated: 2025-01-15. Review status: criteria provided, single submitter. Criteria: Invitae Variant Classification Sherloc (09022015). Collection method: clinical testing. Allele origin: germline.
Comment: This sequence change replaces leucine, which is neutral and non-polar, with phenylalanine, which is neutral and non-polar, at codon 457 of the ARMC9 protein (p.Leu457Phe). This variant is present in population databases (rs773678881, gnomAD 0.05%). This variant has not been reported in the literature in individuals affected with ARMC9-related conditions. ClinVar contains an entry for this variant (Variation ID: 1507724). Experimental studies and prediction algorithms are not available or were not evaluated, and the functional significance of this variant is currently unknown. In summary, the available evidence is currently insufficient to determine the role of this variant in disease. Therefore, it has been classified as a Variant of Uncertain Significance.

Ambry Genetics
Classification: Uncertain significance for Inborn genetic diseases. Last evaluated: 2022-07-06. Review status: criteria provided, single submitter. Criteria: Ambry Variant Classification Scheme 2023. Collection method: clinical testing. Allele origin: germline.